The following is an entry in ClinVar:

NM_024079.5(ALG8):c.1516G>A (p.Ala506Thr)

Gene: ALG8 (ALG8 alpha-1,3-glucosyltransferase; minus strand). Cytogenetic location: 11q14.1.
Variant type: single nucleotide variant.
Coding change: c.1516G>A on transcript NM_024079.5 (MANE Select); coding-DNA position 1516, G replaced by A.
Protein change: p.Ala506Thr; replaces alanine 506 with threonine.
Molecular consequence: missense variant. On other transcripts: 3 prime UTR variant (1).
Genome position (GRCh38, 1-based): chr11:78,101,029, C>T on the plus strand (G>A on the coding strand, the complement: ALG8 is on the minus strand). VCF-style: chr11-78101029-C-T. GRCh37 (hg19) VCF-style: chr11-77812075-C-T.
Other names: p.Ala506Thr; c.*187G>A (NM_001007027.3); short protein forms A506T.
Identifiers: ClinVar variation 882709 (VCV000882709.14), dbSNP rs149692072, ClinGen allele CA6203106.

ClinVar aggregate classification (germline): Conflicting classifications of pathogenicity. Review status: criteria provided, conflicting classifications (1 of 4 stars). 4 submissions from 4 submitters: Uncertain significance (1); Likely benign (2). 1 of the submissions does not count toward it. Last evaluated 2025-06-12.

Conditions:
ALG8-related disorder.
ALG8 congenital disorder of glycosylation. Also called: CDG Ih; ALG8-CDG; CONGENITAL DISORDER OF GLYCOSYLATION, TYPE Ih. Identifiers: Orphanet 79325, MedGen C2931002, MONDO:0011969, OMIM 608104.

Allele frequency attached by ClinVar (database versions not stated): gnomAD 0.00011 and 0.00018; TOPMed 0.00016; gnomAD exomes 0.00020 and 0.00042; ESP Exome Variant Server 0.00031; ExAC 0.00049; 1000 Genomes Project 30x 0.00094; 1000 Genomes Project 0.00100.
gnomAD v4.1: 335 of 1,614,190 alleles (0.021%); highest among the groups gnomAD compares: Middle Eastern, 0.28%; 4 homozygotes.

Submissions (4):

Labcorp Genetics (formerly Invitae), Labcorp
Classification: Likely benign for ALG8 congenital disorder of glycosylation. Last evaluated: 2025-06-12. Review status: criteria provided, single submitter. Criteria: Invitae Variant Classification Sherloc (09022015). Collection method: clinical testing. Allele origin: germline.

Mayo Clinic Laboratories, Mayo Clinic
Classification: Likely benign. Last evaluated: 2025-03-13. Review status: criteria provided, single submitter. Criteria: ACMG Guidelines, 2015. Collection method: clinical testing. Allele origin: germline. Observed: 1 variant allele.
Comment: BS1

Illumina Laboratory Services, Illumina
Classification: Uncertain significance for ALG8 congenital disorder of glycosylation. Last evaluated: 2017-07-31. Review status: criteria provided, single submitter. Criteria: ICSL Variant Classification Criteria 13 December 2019. Collection method: clinical testing. Allele origin: germline.
Comment: This variant was observed as part of a predisposition screen in an ostensibly healthy population. A literature search was performed for the gene, cDNA change, and amino acid change (where applicable). Publications were found based on this search. However, the evidence from the literature, in combination with allele frequency data from public databases where available, was not sufficient to rule this variant in or out of causing disease. Therefore, this variant is classified as a variant of unknown significance.

PreventionGenetics, part of Exact Sciences
Classification: Likely benign for ALG8-related condition. Last evaluated: 2023-02-21. Review status: no assertion criteria provided. Collection method: clinical testing. Allele origin: germline. Not counted in ClinVar's aggregate classification.
Comment: This variant is classified as likely benign based on ACMG/AMP sequence variant interpretation guidelines (Richards et al. 2015 PMID: 25741868, with internal and published modifications).

Literature cited by the submitters: PubMed 26653770 (cited by Illumina Laboratory Services, Illumina); PubMed 25428507 (cited by Illumina Laboratory Services, Illumina).